The following is an entry in ClinVar:

NM_001142800.2(EYS):c.2638G>T (p.Glu880Ter)

Gene: EYS (EGF-like photoreceptor maintenance factor; minus strand). Cytogenetic location: 6q12.
Variant type: single nucleotide variant.
Coding change: c.2638G>T on transcript NM_001142800.2 (MANE Select); coding-DNA position 2638, G replaced by T.
Protein change: p.Glu880Ter; replaces glutamic acid 880 with a stop codon.
Molecular consequence: nonsense.
Genome position (GRCh38, 1-based): chr6:64,912,487, C>A on the plus strand (G>T on the coding strand, the complement: EYS is on the minus strand). VCF-style: chr6-64912487-C-A. GRCh37 (hg19) VCF-style: chr6-65622380-C-A.
Other names: c.2638G>T, p.Glu880Ter (NM_001292009.2); short protein forms E880*.
Identifiers: ClinVar variation 1415714 (VCV001415714.7), dbSNP rs2150076741, ClinGen allele CA364786065.

ClinVar aggregate classification (germline): Pathogenic/Likely pathogenic. Review status: criteria provided, multiple submitters, no conflicts (2 of 4 stars). 2 submissions from 2 submitters: Pathogenic (1); Likely pathogenic (1). Last evaluated 2023-11-26.

Conditions:
Retinitis pigmentosa 25 (RP25). Identifiers: Orphanet 791, MedGen C1864446, MONDO:0011272, OMIM 602772.

gnomAD v4.1: 1 of 1,550,772 alleles (0.000064%); highest among the groups gnomAD compares: African/African-American, 0.0014%; no homozygotes.

Submissions (2):

Baylor Genetics
Classification: Likely pathogenic for Retinitis pigmentosa 25. Last evaluated: 2023-11-26. Review status: criteria provided, single submitter. Criteria: ACMG Guidelines, 2015. Collection method: clinical testing. Allele origin: unknown.

Labcorp Genetics (formerly Invitae), Labcorp
Classification: Pathogenic. Last evaluated: 2023-07-31. Review status: criteria provided, single submitter. Criteria: Invitae Variant Classification Sherloc (09022015). Collection method: clinical testing. Allele origin: germline.
Comment: For these reasons, this variant has been classified as Pathogenic. ClinVar contains an entry for this variant (Variation ID: 1415714). This variant has not been reported in the literature in individuals affected with EYS-related conditions. This variant is not present in population databases (gnomAD no frequency). This sequence change creates a premature translational stop signal (p.Glu880*) in the EYS gene. It is expected to result in an absent or disrupted protein product. Loss-of-function variants in EYS are known to be pathogenic (PMID: 18836446, 20333770).

Literature cited by the submitters: PubMed 18836446 (cited by Labcorp Genetics (formerly Invitae), Labcorp); PubMed 20333770 (cited by Labcorp Genetics (formerly Invitae), Labcorp).